The following is an entry in ClinVar:

ClinVar aggregate classification (germline): Uncertain significance. Review status: criteria provided, multiple submitters, no conflicts (2 of 4 stars). 2 submissions from 2 submitters: Uncertain significance (2). Last evaluated 2024-10-24.

Conditions:
Hereditary cancer-predisposing syndrome. Also called: Hereditary Cancer Syndrome; Hereditary neoplastic syndrome; Neoplastic Syndromes, Hereditary; Tumor predisposition. Identifiers: Orphanet 140162, MedGen C0027672, MeSH D009386, MONDO:0015356.

Submissions (2):

Ambry Genetics
Classification: Uncertain significance for Hereditary cancer-predisposing syndrome. Last evaluated: 2024-10-24. Review status: criteria provided, single submitter. Criteria: Ambry Variant Classification Scheme 2023. Collection method: clinical testing. Allele origin: germline.
Comment: The p.G24V variant (also known as c.71G>T), located in coding exon 3 of the SMARCE1 gene, results from a G to T substitution at nucleotide position 71. The glycine at codon 24 is replaced by valine, an amino acid with dissimilar properties. This amino acid position is conserved. In addition, the in silico prediction for this alteration is inconclusive. Based on the available evidence, the clinical significance of this variant remains unclear.

GeneDx
Classification: Uncertain significance. Last evaluated: 2022-12-02. Review status: criteria provided, single submitter. Criteria: GeneDx Variant Classification Process June 2021. Collection method: clinical testing. Allele origin: germline. Affected: yes.
Comment: Not observed at significant frequency in large population cohorts (gnomAD); In silico analysis supports that this missense variant does not alter protein structure/function; Has not been previously published as pathogenic or benign to our knowledge; This variant is associated with the following publications: (PMID: 19245665)

NM_003079.5(SMARCE1):c.71G>T (p.Gly24Val)

Gene: SMARCE1 (SWI/SNF related BAF chromatin remodeling complex subunit E1; minus strand). Cytogenetic location: 17q21.2.
Variant type: single nucleotide variant.
Coding change: c.71G>T on transcript NM_003079.5 (MANE Select); coding-DNA position 71, G replaced by T.
Protein change: p.Gly24Val; replaces glycine 24 with valine.
Molecular consequence: missense variant.
Genome position (GRCh38, 1-based): chr17:40,642,540, C>A on the plus strand (G>T on the coding strand, the complement: SMARCE1 is on the minus strand). VCF-style: chr17-40642540-C-A. GRCh37 (hg19) VCF-style: chr17-38798792-C-A.
Other names: short protein forms G24V.
Identifiers: ClinVar variation 2504750 (VCV002504750.2), dbSNP rs2508613601, ClinGen allele CA399369960.